The following is an entry in ClinVar:

NM_002210.5(ITGAV):c.1719+1G>A

Genes: FAM171B-AS1 (FAM171B and ITGAV antisense RNA 1; minus strand), ITGAV (integrin subunit alpha V; plus strand). Cytogenetic location: 2q32.1.
Variant type: single nucleotide variant.
Coding change: c.1719+1G>A on transcript NM_002210.5 (MANE Select); the canonical splice donor site of the intron after coding-DNA position 1719, G replaced by A.
Molecular consequence: splice donor variant.
Genome position (GRCh38, 1-based): chr2:186,656,402, G>A. VCF-style: chr2-186656402-G-A. GRCh37 (hg19) VCF-style: chr2-187521129-G-A.
Other names: c.1611+1G>A (NM_001145000.3); c.1581+1G>A (NM_001144999.3).
Identifiers: ClinVar variation 4823282 (VCV004823282.4).

ClinVar aggregate classification (germline): Pathogenic (1 of 4 stars; one submission).

gnomAD v4.1: 1 of 1,479,582 alleles (0.000068%); highest among the groups gnomAD compares: Non-Finnish European, 0.000089%; no homozygotes.

Submission:

CeGaT Center for Human Genetics Tuebingen
Classification: Pathogenic. Last evaluated: 2026-01-01. Review status: criteria provided, single submitter. Criteria: CeGaT Center For Human Genetics Tuebingen Variant Classification Criteria Version 2. Collection method: clinical testing. Allele origin: germline. Affected: yes. Observed: 1 variant allele.
Comment: ITGAV: PVS1, PM2